The following is an entry in ClinVar:

ClinVar aggregate classification (germline): Conflicting classifications of pathogenicity. Review status: criteria provided, conflicting classifications (1 of 4 stars). 2 submissions from 2 submitters: Uncertain significance (1); Likely benign (1). Last evaluated 2026-01-08.

Conditions:
Hereditary cancer-predisposing syndrome. Also called: Hereditary neoplastic syndrome; Neoplastic Syndromes, Hereditary; Tumor predisposition; Hereditary Cancer Syndrome. Identifiers: Orphanet 140162, MedGen C0027672, MeSH D009386, MONDO:0015356.
Rhabdoid tumor predisposition syndrome 2 (RTPS2). Identifiers: Orphanet 231108, Orphanet 69077, MedGen C2750074, MONDO:0013224, OMIM 613325.

Allele frequency attached by ClinVar (database versions not stated): gnomAD exomes 0.00001; ExAC 0.00002.
gnomAD v4.1: 5 of 1,603,624 alleles (0.00031%); highest among the groups gnomAD compares: East Asian, 0.009%; no homozygotes.

Submissions (2):

Labcorp Genetics (formerly Invitae), Labcorp
Classification: Uncertain significance for Rhabdoid tumor predisposition syndrome 2. Last evaluated: 2026-01-08. Review status: criteria provided, single submitter. Criteria: Invitae Variant Classification Sherloc (09022015). Collection method: clinical testing. Allele origin: germline.
Comment: This sequence change replaces glutamine, which is neutral and polar, with histidine, which is basic and polar, at codon 1411 of the SMARCA4 protein (p.Gln1411His). This variant is present in population databases (rs780721689, gnomAD 0.02%). This variant has not been reported in the literature in individuals affected with SMARCA4-related conditions. ClinVar contains an entry for this variant (Variation ID: 470385). An algorithm developed to predict the effect of missense changes on protein structure and function (PolyPhen-2) suggests that this variant is likely to be tolerated. In summary, the available evidence is currently insufficient to determine the role of this variant in disease. Therefore, it has been classified as a Variant of Uncertain Significance.

Ambry Genetics
Classification: Likely benign for Hereditary cancer-predisposing syndrome. Last evaluated: 2022-11-16. Review status: criteria provided, single submitter. Criteria: Ambry Variant Classification Scheme 2023. Collection method: clinical testing. Allele origin: germline.

NM_001387283.1(SMARCA4):c.4233G>T (p.Gln1411His)

Gene: SMARCA4 (SWI/SNF related BAF chromatin remodeling complex subunit ATPase 4; plus strand). Cytogenetic location: 19p13.2.
Variant type: single nucleotide variant.
Coding change: c.4233G>T on transcript NM_001387283.1 (MANE Plus Clinical); coding-DNA position 4233, G replaced by T.
Protein change: p.Gln1411His; replaces glutamine 1411 with histidine.
Molecular consequence: missense variant. On other transcripts: intron variant (7).
Genome position (GRCh38, 1-based): chr19:11,039,520, G>T. VCF-style: chr19-11039520-G-T. GRCh37 (hg19) VCF-style: chr19-11150196-G-T.
Other names: c.4233G>T, p.Gln1411His (NM_001128849.3); c.4171-1787G>T (NM_001128844.3, NM_003072.5); c.4072-1787G>T (NM_001128847.4, NM_001374457.1, NM_001128848.2); c.4072-1778G>T (NM_001128845.2, NM_001128846.2); short protein forms Q1411H.
Identifiers: ClinVar variation 470385 (VCV000470385.14), dbSNP rs780721689, ClinGen allele CA9204636.